The following is an entry in ClinVar:

NM_017617.5(NOTCH1):c.1903+6C>G

Gene: NOTCH1 (notch receptor 1; minus strand). Cytogenetic location: 9q34.3.
Variant type: single nucleotide variant.
Coding change: c.1903+6C>G on transcript NM_017617.5 (MANE Select); 6 bases into the intron after coding-DNA position 1903, C replaced by G.
Molecular consequence: intron variant.
Genome position (GRCh38, 1-based): chr9:136,515,477, G>C on the plus strand (C>G on the coding strand, the complement: NOTCH1 is on the minus strand). VCF-style: chr9-136515477-G-C. GRCh37 (hg19) VCF-style: chr9-139409929-G-C.
Identifiers: ClinVar variation 2160561 (VCV002160561.4), dbSNP rs753388966, ClinGen allele CA861077824.

ClinVar aggregate classification (germline): Uncertain significance (1 of 4 stars; one submission).

Conditions:
Adams-Oliver syndrome 5 (AOS5). Identifiers: Orphanet 974, MedGen C4014970, MONDO:0014459, OMIM 616028.

Submission:

Labcorp Genetics (formerly Invitae), Labcorp
Classification: Uncertain significance for Adams-Oliver syndrome 5. Last evaluated: 2022-08-27. Review status: criteria provided, single submitter. Criteria: Invitae Variant Classification Sherloc (09022015). Collection method: clinical testing. Allele origin: germline.
Comment: This sequence change falls in intron 11 of the NOTCH1 gene. It does not directly change the encoded amino acid sequence of the NOTCH1 protein. It affects a nucleotide within the consensus splice site. This variant is not present in population databases (gnomAD no frequency). This variant has not been reported in the literature in individuals affected with NOTCH1-related conditions. Variants that disrupt the consensus splice site are a relatively common cause of aberrant splicing (PMID: 17576681, 9536098). Algorithms developed to predict the effect of sequence changes on RNA splicing suggest that this variant is not likely to affect RNA splicing. In summary, the available evidence is currently insufficient to determine the role of this variant in disease. Therefore, it has been classified as a Variant of Uncertain Significance.

Literature cited by the submitters: PubMed 17576681; PubMed 9536098.